The following is an entry in ClinVar:

ClinVar aggregate classification (germline): Pathogenic (1 of 4 stars; one submission).

Conditions:
Duchenne muscular dystrophy (DMD). Also called: Duchenne Muscular Dystrophy (DMD); MUSCULAR DYSTROPHY, PSEUDOHYPERTROPHIC PROGRESSIVE, DUCHENNE TYPE. Identifiers: Orphanet 98896, MedGen C0013264, MONDO:0010679, OMIM 310200.

Submission:

Labcorp Genetics (formerly Invitae), Labcorp
Classification: Pathogenic for Duchenne muscular dystrophy. Last evaluated: 2019-08-31. Review status: criteria provided, single submitter. Criteria: Invitae Variant Classification Sherloc (09022015). Collection method: clinical testing. Allele origin: germline.
Comment: This variant is an out-of-frame deletion of the genomic region encompassing exons 53-54 of the DMD gene. This is expected to create a premature translational stop signal and result in an absent or disrupted protein product. This variant has been observed in several individuals affected with Becker or Duchenne muscular dystrophy (PMID: 21969337, 9800909, 11524473, 24928015). Loss-of-function variants in DMD are known to be pathogenic (PMID: 16770791, 25007885). For these reasons, this variant has been classified as Pathogenic.

Literature cited by the submitters: PubMed 21969337; PubMed 9800909; PubMed 24928015; PubMed 11524473.

NC_000023.11:g.(?_31657980)_(31679596_?)del

Gene: DMD (dystrophin; minus strand). Cytogenetic location: Xp21.1.
Variant type: Deletion.
Identifiers: ClinVar variation 833040 (VCV000833040.1).